The following is an entry in ClinVar:

ClinVar aggregate classification (germline): Uncertain significance. Review status: criteria provided, multiple submitters, no conflicts (2 of 4 stars). 2 submissions from 2 submitters: Uncertain significance (2). Last evaluated 2026-04-20.

Conditions:
Kabuki syndrome. Also called: NIIKAWA-KUROKI SYNDROME; Kabuki make-up syndrome. Identifiers: Orphanet 2322, MedGen C0796004, MONDO:0016512.

Submissions (2):

Women's Health and Genetics/Laboratory Corporation of America, LabCorp
Classification: Uncertain significance. Last evaluated: 2026-04-20. Review status: criteria provided, single submitter. Criteria: LabCorp Variant Classification Summary - May 2015. Collection method: clinical testing. Allele origin: germline.
Comment: Variant summary: KMT2D c.1409C>A (p.Pro470Gln) results in a non-conservative amino acid change in the encoded protein sequence. Algorithms developed to predict the effect of missense changes on protein structure and function are either unavailable or do not agree on the potential impact of this missense change. The variant was absent in 245120 control chromosomes. The available data on variant occurrences in the general population are insufficient to allow any conclusion about variant significance. To our knowledge, no occurrence of c.1409C>A in individuals affected with KMT2D-related conditions and no experimental evidence demonstrating its impact on protein function have been reported. ClinVar contains an entry for this variant (Variation ID: 2118822). Based on the evidence outlined above, the variant was classified as uncertain significance.

Labcorp Genetics (formerly Invitae), Labcorp
Classification: Uncertain significance for Kabuki syndrome. Last evaluated: 2022-03-28. Review status: criteria provided, single submitter. Criteria: Invitae Variant Classification Sherloc (09022015). Collection method: clinical testing. Allele origin: germline.
Comment: In summary, the available evidence is currently insufficient to determine the role of this variant in disease. Therefore, it has been classified as a Variant of Uncertain Significance. Advanced modeling of protein sequence and biophysical properties (such as structural, functional, and spatial information, amino acid conservation, physicochemical variation, residue mobility, and thermodynamic stability) performed at Invitae indicates that this missense variant is not expected to disrupt KMT2D protein function. This variant has not been reported in the literature in individuals affected with KMT2D-related conditions. This variant is not present in population databases (gnomAD no frequency). This sequence change replaces proline, which is neutral and non-polar, with glutamine, which is neutral and polar, at codon 470 of the KMT2D protein (p.Pro470Gln).

NM_003482.4(KMT2D):c.1409C>A (p.Pro470Gln)

Gene: KMT2D (lysine methyltransferase 2D; minus strand). Cytogenetic location: 12q13.12.
Variant type: single nucleotide variant.
Coding change: c.1409C>A on transcript NM_003482.4 (MANE Select); coding-DNA position 1409, C replaced by A.
Protein change: p.Pro470Gln; replaces proline 470 with glutamine.
Molecular consequence: missense variant.
Genome position (GRCh38, 1-based): chr12:49,052,274, G>T on the plus strand (C>A on the coding strand, the complement: KMT2D is on the minus strand). VCF-style: chr12-49052274-G-T. GRCh37 (hg19) VCF-style: chr12-49446057-G-T.
Other names: short protein forms P470Q.
Identifiers: ClinVar variation 2118822 (VCV002118822.5), dbSNP rs2120684393, ClinGen allele CA384675020.